The following is an entry in ClinVar:

ClinVar aggregate classification (germline): Likely benign (1 of 4 stars; one submission).

Submission:

CeGaT Center for Human Genetics Tuebingen
Classification: Likely benign. Last evaluated: 2026-02-01. Review status: criteria provided, single submitter. Criteria: CeGaT Center For Human Genetics Tuebingen Variant Classification Criteria Version 2. Collection method: clinical testing. Allele origin: germline. Affected: yes. Observed: 1 variant allele.
Comment: SIGLEC16: BP4, BP7

NM_001348364.2(SIGLEC16):c.1191G>C (p.Arg397=)

Gene: SIGLEC16 (sialic acid binding Ig like lectin 16 (gene/pseudogene); plus strand). Cytogenetic location: 19q13.33.
Variant type: single nucleotide variant.
Coding change: c.1191G>C on transcript NM_001348364.2; coding-DNA position 1191, G replaced by C.
Protein change: p.Arg397=; no amino-acid change (arginine 397 retained).
Molecular consequence: synonymous variant. On other transcripts: non-coding transcript variant (1).
Genome position (GRCh38, 1-based): chr19:49,972,013, G>C. VCF-style: chr19-49972013-G-C. GRCh37 (hg19) VCF-style: chr19-50475270-G-C.
Identifiers: ClinVar variation 4821186 (VCV004821186.4).